The following is an entry in ClinVar:

NM_001256317.3(TMPRSS3):c.764C>T (p.Ala255Val)

Gene: TMPRSS3 (transmembrane serine protease 3; minus strand). Cytogenetic location: 21q22.3.
Variant type: single nucleotide variant.
Coding change: c.764C>T on transcript NM_001256317.3 (MANE Select); coding-DNA position 764, C replaced by T.
Protein change: p.Ala255Val; replaces alanine 255 with valine.
Molecular consequence: missense variant.
Genome position (GRCh38, 1-based): chr21:42,383,051, G>A on the plus strand (C>T on the coding strand, the complement: TMPRSS3 is on the minus strand). VCF-style: chr21-42383051-G-A. GRCh37 (hg19) VCF-style: chr21-43803160-G-A.
Other names: c.764C>T, p.Ala255Val (NM_024022.4, NM_032405.2); c.383C>T, p.Ala128Val (NM_032404.3); short protein forms A128V, A255V.
Identifiers: ClinVar variation 1339581 (VCV001339581.3), dbSNP rs758738833, ClinGen allele CA10042483.

ClinVar aggregate classification (germline): Uncertain significance. Review status: criteria provided, multiple submitters, no conflicts (2 of 4 stars). 2 submissions from 2 submitters: Uncertain significance (2). Last evaluated 2022-02-10.

Conditions:
Autosomal recessive nonsyndromic hearing loss 8 (DFNB8). Also called: Deafness, autosomal recessive 10; NEUROSENSORY NONSYNDROMIC RECESSIVE DEAFNESS 8. Identifiers: Orphanet 90636, MedGen C1832827, MONDO:0010987, OMIM 601072.

Allele frequency attached by ClinVar (database versions not stated): TOPMed below 0.00001; gnomAD 0.00001; gnomAD exomes 0.00001 and 0.00002; ExAC 0.00002.
gnomAD v4.1: 15 of 1,614,010 alleles (0.00093%); highest among the groups gnomAD compares: Middle Eastern, 0.016%; no homozygotes.

Submissions (2):

Fulgent Genetics
Classification: Uncertain significance for Autosomal recessive nonsyndromic hearing loss 8. Last evaluated: 2022-02-10. Review status: criteria provided, single submitter. Criteria: ACMG Guidelines, 2015. Collection method: clinical testing. Allele origin: unknown.

GeneDx
Classification: Uncertain significance. Last evaluated: 2022-02-02. Review status: criteria provided, single submitter. Criteria: GeneDx Variant Classification Process June 2021. Collection method: clinical testing. Allele origin: germline. Affected: yes.
Comment: In silico analysis supports that this missense variant has a deleterious effect on protein structure/function; Has not been previously published as pathogenic or benign to our knowledge